The following is an entry in ClinVar:

ClinVar aggregate classification (germline): Uncertain significance (1 of 4 stars; one submission).

Allele frequency attached by ClinVar (database versions not stated): gnomAD exomes below 0.00001.
gnomAD v4.1: 3 of 1,613,958 alleles (0.00019%); highest among the groups gnomAD compares: Non-Finnish European, 0.00025%; no homozygotes.

Submission:

Labcorp Genetics (formerly Invitae), Labcorp
Classification: Uncertain significance. Last evaluated: 2023-11-01. Review status: criteria provided, single submitter. Criteria: Invitae Variant Classification Sherloc (09022015). Collection method: clinical testing. Allele origin: germline.
Comment: This sequence change replaces leucine, which is neutral and non-polar, with valine, which is neutral and non-polar, at codon 804 of the POLE protein (p.Leu804Val). This variant is not present in population databases (gnomAD no frequency). This variant has not been reported in the literature in individuals affected with POLE-related conditions. Advanced modeling of protein sequence and biophysical properties (such as structural, functional, and spatial information, amino acid conservation, physicochemical variation, residue mobility, and thermodynamic stability) performed at Invitae indicates that this missense variant is expected to disrupt POLE protein function with a positive predictive value of 80%. In summary, the available evidence is currently insufficient to determine the role of this variant in disease. Therefore, it has been classified as a Variant of Uncertain Significance.

NM_006231.4(POLE):c.2410C>G (p.Leu804Val)

Gene: POLE (DNA polymerase epsilon, catalytic subunit; minus strand). Cytogenetic location: 12q24.33.
Variant type: single nucleotide variant.
Coding change: c.2410C>G on transcript NM_006231.4 (MANE Select); coding-DNA position 2410, C replaced by G.
Protein change: p.Leu804Val; replaces leucine 804 with valine.
Molecular consequence: missense variant.
Genome position (GRCh38, 1-based): chr12:132,665,360, G>C on the plus strand (C>G on the coding strand, the complement: POLE is on the minus strand). VCF-style: chr12-132665360-G-C. GRCh37 (hg19) VCF-style: chr12-133241946-G-C.
Other names: short protein forms L804V.
Identifiers: ClinVar variation 2843351 (VCV002843351.3), dbSNP rs2542073976, ClinGen allele CA387397212.